The following is an entry in ClinVar:

ClinVar aggregate classification (germline): Likely benign (1 of 4 stars; one submission).

gnomAD v4.1: 14 of 1,468,316 alleles (0.00095%); highest among the groups gnomAD compares: South Asian, 0.0012%; no homozygotes.

Submission:

Women's Health and Genetics/Laboratory Corporation of America, LabCorp
Classification: Likely benign. Last evaluated: 2025-12-29. Review status: criteria provided, single submitter. Criteria: LabCorp Variant Classification Summary - May 2015. Collection method: clinical testing. Allele origin: germline.
Comment: Variant summary: SOS2 c.1068+15C>T alters a nucleotide located at a position not widely known to affect splicing. Consensus agreement among computation tools predict no significant impact on normal splicing. However, these predictions have yet to be confirmed by functional studies. The variant allele was found at a frequency of 8.4e-06 in 237416 control chromosomes. The available data on variant occurrences in the general population are insufficient to allow any conclusion about variant significance. To our knowledge, no occurrence of c.1068+15C>T in individuals affected with SOS2-related conditions and no experimental evidence demonstrating its impact on protein function have been reported. No submitters have cited clinical-significance assessments for this variant to ClinVar. Based on the evidence outlined above, the variant was classified as likely benign.

NM_006939.4(SOS2):c.1068+15C>T

Gene: SOS2 (SOS Ras/Rho guanine nucleotide exchange factor 2; minus strand). Cytogenetic location: 14q21.3.
Variant type: single nucleotide variant.
Coding change: c.1068+15C>T on transcript NM_006939.4 (MANE Select); 15 bases into the intron after coding-DNA position 1068, C replaced by T.
Molecular consequence: intron variant.
Genome position (GRCh38, 1-based): chr14:50,174,439, G>A on the plus strand (C>T on the coding strand, the complement: SOS2 is on the minus strand). VCF-style: chr14-50174439-G-A. GRCh37 (hg19) VCF-style: chr14-50641157-G-A.
Other names: c.969+6133C>T (NM_001411020.1).
Identifiers: ClinVar variation 4688733 (VCV004688733.1).